The following is an entry in ClinVar:

NM_033163.5(FGF8):c.559_573del (p.Arg187_Gly191del)

Gene: FGF8 (fibroblast growth factor 8; minus strand). Cytogenetic location: 10q24.32.
Variant type: Deletion.
Coding change: c.559_573del on transcript NM_033163.5 (MANE Select); coding-DNA positions 559 to 573, 15 bases deleted (CGGCCCCGCAAGGGC).
Protein change: p.Arg187_Gly191del.
Molecular consequence: inframe deletion.
Genome position (GRCh38, 1-based): chr10:101,770,491-101,770,505, GCCCTTGCGGGGCCG deleted on the plus strand (CGGCCCCGCAAGGGC on the coding strand, the reverse complement: FGF8 is on the minus strand); deleting any 15 consecutive bases within chr10:101,770,491-101,770,516 gives the same sequence; the c. name uses the placement nearest the transcript's 3' end. VCF-style (leftmost placement, unchanged base first): chr10-101770490-AGCCCTTGCGGGGCCG-A. GRCh37 (hg19) VCF-style: chr10-103530247-AGCCCTTGCGGGGCCG-A.
Other names: c.247_261del, p.Arg83_Gly87del (NM_001206389.2); c.472_486del, p.Arg158_Gly162del (NM_006119.6); c.526_540del, p.Arg176_Gly180del (NM_033164.4); c.439_453del, p.Arg147_Gly151del (NM_033165.5).
Identifiers: ClinVar variation 545457 (VCV000545457.7), dbSNP rs1554834321, ClinGen allele CA658822922.

ClinVar aggregate classification (germline): Conflicting classifications of pathogenicity. Review status: criteria provided, conflicting classifications (1 of 4 stars). 3 submissions from 3 submitters: Pathogenic (2); Uncertain significance (1). Last evaluated 2024-06-25.

Conditions:
Holoprosencephaly sequence (HPE). Also called: Holoprosencephaly. Identifiers: Orphanet 2162, MedGen C0079541, MONDO:0016296, HP:0001360.

Submissions (3):

Labcorp Genetics (formerly Invitae), Labcorp
Classification: Uncertain significance. Last evaluated: 2024-06-25. Review status: criteria provided, single submitter. Criteria: Invitae Variant Classification Sherloc (09022015). Collection method: clinical testing. Allele origin: germline.
Comment: This variant, c.559_573del, results in the deletion of 5 amino acid(s) of the FGF8 protein (p.Arg187_Gly191del), but otherwise preserves the integrity of the reading frame. This variant is not present in population databases (gnomAD no frequency). This variant has been observed in individual(s) with clinical features of FGF8-related conditions (PMID: 26931467). This variant is also known as c.515-529delCCCGCAAGGGCCGGC. ClinVar contains an entry for this variant (Variation ID: 545457). Algorithms developed to predict the effect of variants on gene product structure and function are not available or were not evaluated for this variant. Experimental studies have shown that this variant affects FGF8 function (PMID: 26931467). In summary, the available evidence is currently insufficient to determine the role of this variant in disease. Therefore, it has been classified as a Variant of Uncertain Significance.

GeneDx
Classification: Pathogenic. Last evaluated: 2021-07-27. Review status: criteria provided, single submitter. Criteria: GeneDx Variant Classification Process June 2021. Collection method: clinical testing. Allele origin: germline. Affected: yes.
Comment: Identified in siblings with holoprosencephaly in published literature (Hong et al., 2016); Published Zebrafish model showed a complete loss of biological activity (Hong et al., 2016); In-frame deletion of 5 amino acids in a non-repeat region; Not observed at significant frequency in large population cohorts (Lek et al., 2016); In silico analysis supports a deleterious effect on protein structure/function; This variant is associated with the following publications: (PMID: 26931467)

Muenke lab, National Institutes of Health
Classification: Pathogenic for Holoprosencephaly sequence. Last evaluated: 2018-04-18. Review status: criteria provided, single submitter. Criteria: Submitter's publication. Collection method: research. Allele origin: not applicable. Inheritance: Oligogenic inheritance.
Comment: Established gene to gene interactions in animal models. This FGF8 variation is supported by experimental data and ACMG criteria: PS3;PM1/PM2/PM4;PP1.

Literature cited by the submitters: PubMed 26931467 (cited by Labcorp Genetics (formerly Invitae), Labcorp); PubMed 29584859 (cited by Muenke lab, National Institutes of Health).